The following is an entry in ClinVar:

ClinVar aggregate classification (germline): Uncertain significance. Review status: criteria provided, multiple submitters, no conflicts (2 of 4 stars). 3 submissions from 3 submitters: Uncertain significance (3). Last evaluated 2024-03-01.

Conditions:
Epilepsy, childhood absence 4 (ECA4). Also called: EPILEPSY, CHILDHOOD ABSENCE, SUSCEPTIBILITY TO, 4. Identifiers: Orphanet 307, MedGen C1970160.
Idiopathic generalized epilepsy. Also called: EIG; Generalised epilepsy. Identifiers: MedGen C0270850, MONDO:0005579, OMIM 600669.
Epilepsy, idiopathic generalized, susceptibility to, 13. Also called: EPILEPSY, JUVENILE MYOCLONIC, SUSCEPTIBILITY TO, 5. Identifiers: Orphanet 307, Orphanet 64280, MedGen C4013473, MONDO:0012627, OMIM 611136.

gnomAD v4.1: 1 of 1,612,948 alleles (0.000062%); highest among the groups gnomAD compares: Non-Finnish European, 0.000085%; no homozygotes.

Submissions (3):

GeneDx
Classification: Uncertain significance. Last evaluated: 2024-03-01. Review status: criteria provided, single submitter. Criteria: GeneDx Variant Classification Process June 2021. Collection method: clinical testing. Allele origin: germline.
Comment: Identified in a patient with generalized tonic-clonic seizures in the published literature (PMID: 27521439); Not observed at significant frequency in large population cohorts (gnomAD); In silico analysis supports that this missense variant does not alter protein structure/function; This variant is associated with the following publications: (PMID: 35937053, 35269865, 30851244, 27521439)

Labcorp Genetics (formerly Invitae), Labcorp
Classification: Uncertain significance for Epilepsy, childhood absence 4; Epilepsy, idiopathic generalized, susceptibility to, 13; Idiopathic generalized epilepsy. Last evaluated: 2024-02-23. Review status: criteria provided, single submitter. Criteria: Invitae Variant Classification Sherloc (09022015). Collection method: clinical testing. Allele origin: germline.
Comment: This sequence change replaces valine, which is neutral and non-polar, with isoleucine, which is neutral and non-polar, at codon 74 of the GABRA1 protein (p.Val74Ile). This variant is not present in population databases (gnomAD no frequency). This missense change has been observed in individual(s) with seizures (PMID: 27521439). ClinVar contains an entry for this variant (Variation ID: 1804197). Advanced modeling of protein sequence and biophysical properties (such as structural, functional, and spatial information, amino acid conservation, physicochemical variation, residue mobility, and thermodynamic stability) has been performed at Invitae for this missense variant, however the output from this modeling did not meet the statistical confidence thresholds required to predict the impact of this variant on GABRA1 protein function. In summary, the available evidence is currently insufficient to determine the role of this variant in disease. Therefore, it has been classified as a Variant of Uncertain Significance.

Clinical Genetics Laboratory, Skane University Hospital Lund
Classification: Uncertain significance. Last evaluated: 2023-04-05. Review status: criteria provided, single submitter. Criteria: ACMG Guidelines, 2015. Collection method: clinical testing. Allele origin: germline. Affected: yes.

Literature cited by the submitters: PubMed 27521439 (cited by Labcorp Genetics (formerly Invitae), Labcorp).

NM_001127644.2(GABRA1):c.220G>A (p.Val74Ile)

Gene: GABRA1 (gamma-aminobutyric acid type A receptor subunit alpha1; plus strand). Cytogenetic location: 5q34.
Variant type: single nucleotide variant.
Coding change: c.220G>A on transcript NM_001127644.2 (MANE Select); coding-DNA position 220, G replaced by A.
Protein change: p.Val74Ile; replaces valine 74 with isoleucine.
Molecular consequence: missense variant.
Genome position (GRCh38, 1-based): chr5:161,865,753, G>A. VCF-style: chr5-161865753-G-A. GRCh37 (hg19) VCF-style: chr5-161292759-G-A.
Other names: c.220G>A, p.Val74Ile (NM_000806.5, NM_001127643.2, NM_001127645.2 and 1 more transcripts); short protein forms V74I.
Identifiers: ClinVar variation 1804197 (VCV001804197.5), dbSNP rs2532225533, ClinGen allele CA362178558.
Genomic context (GRCh38, chr5:161,865,753, plus strand): 5'-TCACTCGCCCAATTTCCTGCTTCAACAGAGCGTGTAACCGAAGTGAAGACTGATATCTTC[G>A]TCACCAGTTTCGGACCCGTTTCAGACCATGATATGGTAAGTGGACACTTTATCTTTGCTT-3'
Protein context (NP_001121116.1, residues 64-84): RVTEVKTDIF[Val74Ile]TSFGPVSDHD